The following is an entry in ClinVar:

NM_006904.7(PRKDC):c.6941A>G (p.Glu2314Gly)

Gene: PRKDC (protein kinase, DNA-activated, catalytic subunit; minus strand). Cytogenetic location: 8q11.21.
Variant type: single nucleotide variant.
Coding change: c.6941A>G on transcript NM_006904.7 (MANE Select); coding-DNA position 6941, A replaced by G.
Protein change: p.Glu2314Gly; replaces glutamic acid 2314 with glycine.
Molecular consequence: missense variant.
Genome position (GRCh38, 1-based): chr8:47,852,737, T>C on the plus strand (A>G on the coding strand, the complement: PRKDC is on the minus strand). VCF-style: chr8-47852737-T-C. GRCh37 (hg19) VCF-style: chr8-48765298-T-C.
Other names: c.6941A>G, p.Glu2314Gly (NM_001081640.2); short protein forms E2314G.
Identifiers: ClinVar variation 3225900 (VCV003225900.1), dbSNP rs2551869038, ClinGen allele CA371158218.

ClinVar aggregate classification (germline): Uncertain significance (1 of 4 stars; one submission).

gnomAD v4.1: 1 of 1,579,456 alleles (0.000063%); no homozygotes.

Submission:

Ambry Genetics
Classification: Uncertain significance. Last evaluated: 2023-11-03. Review status: criteria provided, single submitter. Criteria: Ambry Variant Classification Scheme 2023. Collection method: clinical testing. Allele origin: germline.
Comment: The p.E2314G variant (also known as c.6941A>G), located in coding exon 52 of the PRKDC gene, results from an A to G substitution at nucleotide position 6941. The glutamic acid at codon 2314 is replaced by glycine, an amino acid with similar properties. This amino acid position is conserved. Since supporting evidence is limited at this time, the clinical significance of this alteration remains unclear.